The following is an entry in ClinVar:

ClinVar aggregate classification (germline): Likely benign (0 of 4 stars; one submission).

Conditions:
TCOF1-related disorder. Also called: TCOF1-related condition.

Allele frequency attached by ClinVar (database versions not stated): TOPMed below 0.00001; gnomAD 0.00001; gnomAD exomes 0.00001.
gnomAD v4.1: 12 of 1,613,876 alleles (0.00074%); highest among the groups gnomAD compares: Non-Finnish European, 0.001%; no homozygotes.

Submission:

PreventionGenetics, part of Exact Sciences
Classification: Likely benign for TCOF1-related condition. Last evaluated: 2023-02-13. Review status: no assertion criteria provided. Collection method: clinical testing. Allele origin: germline.
Comment: This variant is classified as likely benign based on ACMG/AMP sequence variant interpretation guidelines (Richards et al. 2015 PMID: 25741868, with internal and published modifications).

NM_001371623.1(TCOF1):c.381A>G (p.Ala127=)

Gene: TCOF1 (treacle ribosome biogenesis factor 1; plus strand). Cytogenetic location: 5q32.
Variant type: single nucleotide variant.
Coding change: c.381A>G on transcript NM_001371623.1 (MANE Select); coding-DNA position 381, A replaced by G.
Protein change: p.Ala127=; no amino-acid change (alanine 127 retained).
Molecular consequence: synonymous variant.
Genome position (GRCh38, 1-based): chr5:150,368,718, A>G. VCF-style: chr5-150368718-A-G. GRCh37 (hg19) VCF-style: chr5-149748281-A-G.
Other names: c.381A>G, p.Ala127= (NM_000356.4, NM_001008657.3, NM_001135243.2 and 3 more transcripts).
Identifiers: ClinVar variation 3054212 (VCV003054212.2), dbSNP rs1298166614, ClinGen allele CA447156477.